The following is an entry in ClinVar:

ClinVar aggregate classification (germline): Likely benign (1 of 4 stars; one submission).

Allele frequency attached by ClinVar (database versions not stated): gnomAD below 0.00001 and 0.00025; TOPMed 0.00007; gnomAD exomes 0.00040 and 0.00093; 1000 Genomes Project 30x 0.00187; 1000 Genomes Project 0.00200; ExAC 0.00223.
gnomAD v4.1: 590 of 1,536,586 alleles (0.038%); highest among the groups gnomAD compares: South Asian, 0.67%; 9 homozygotes.

Submission:

GeneDx
Classification: Likely benign. Last evaluated: 2017-04-07. Review status: criteria provided, single submitter. Criteria: GeneDx Variant Classification (06012015). Collection method: clinical testing. Allele origin: germline. Affected: yes.
Comment: This variant is considered likely benign or benign based on one or more of the following criteria: it is a conservative change, it occurs at a poorly conserved position in the protein, it is predicted to be benign by multiple in silico algorithms, and/or has population frequency not consistent with disease.

NM_020408.6(LYRM4):c.-46T>C

Genes: FARS2 (phenylalanyl-tRNA synthetase 2, mitochondrial; plus strand), LYRM4 (LYR motif containing 4; minus strand). Cytogenetic location: 6p25.1.
Variant type: single nucleotide variant.
Coding change: c.-46T>C on transcript NM_020408.6 (MANE Select); 46 bases upstream of the start codon, T replaced by C.
Molecular consequence: 5 prime UTR variant. On other transcripts: non-coding transcript variant (3).
Genome position (GRCh38, 1-based): chr6:5,260,779, A>G on the plus strand (T>C on the coding strand, the complement: LYRM4 is on the minus strand). VCF-style: chr6-5260779-A-G. GRCh37 (hg19) VCF-style: chr6-5261012-A-G.
Other names: c.-46T>C (NM_001164840.3, NM_001164841.3, NM_001318782.1 and 1 more transcripts).
Identifiers: ClinVar variation 508305 (VCV000508305.1), dbSNP rs537369528, ClinGen allele CA3623569.
Genomic context (GRCh38, chr6:5,260,779, plus strand): 5'-ACTGGAGGCTGCCATTTTGGAAAGAAAAAAAAATAAACGGGTCCTCTTCGCCGAGGTCCC[A>G]AGTACGACCCAACCCACGAAACTCCAGCCTGTGCGGAAACCACGAACGAAATAAAATGCT-3'